The following is an entry in ClinVar:

NM_007194.4(CHEK2):c.76delinsCT (p.Thr26fs)

Gene: CHEK2 (checkpoint kinase 2; minus strand). Cytogenetic location: 22q12.1.
Variant type: Indel.
Coding change: c.76delinsCT on transcript NM_007194.4 (MANE Select); coding-DNA position 76, A replaced by CT.
Protein change: p.Thr26fs; shifts the reading frame from threonine 26.
Molecular consequence: frameshift variant.
Genome position (GRCh38, 1-based): chr22:28,734,646, T replaced by AG on the plus strand (A replaced by CT on the coding strand, the reverse complement: CHEK2 is on the minus strand). VCF-style: chr22-28734646-T-AG. GRCh37 (hg19) VCF-style: chr22-29130634-T-AG.
Other names: c.76delAinsCT, p.Thr26Leufs (NM_001005735.3, NM_001349956.3, NM_145862.3); c.-702delAinsCT (NM_001257387.3); short protein forms T26fs.
Identifiers: ClinVar variation 1760210 (VCV001760210.2), dbSNP rs764156722, ClinGen allele CA2580099462.

ClinVar aggregate classification (germline): Pathogenic (1 of 4 stars; one submission).

Conditions:
Hereditary cancer-predisposing syndrome. Also called: Neoplastic Syndromes, Hereditary; Tumor predisposition; Hereditary Cancer Syndrome; Hereditary neoplastic syndrome. Identifiers: Orphanet 140162, MedGen C0027672, MeSH D009386, MONDO:0015356.

Submission:

Ambry Genetics
Classification: Pathogenic for Hereditary cancer-predisposing syndrome. Last evaluated: 2019-05-07. Review status: criteria provided, single submitter. Criteria: Ambry Variant Classification Scheme 2023. Collection method: clinical testing. Allele origin: germline.
Comment: The c.76delAinsCT pathogenic mutation, located in coding exon 1 of the CHEK2 gene, results from the deletion of one nucleotide and insertion of two nucleotides causing a translational frameshift with a predicted alternate stop codon (p.T26Lfs*51). This alteration is expected to result in loss of function by premature protein truncation or nonsense-mediated mRNA decay. As such, this alteration is interpreted as a disease-causing mutation.